The following is an entry in ClinVar:

ClinVar aggregate classification (germline): Likely benign (0 of 4 stars; one submission).

Conditions:
RNF135-related disorder. Also called: RNF135-related condition.

Allele frequency attached by ClinVar (database versions not stated): gnomAD exomes 0.00008; ExAC 0.00009.
gnomAD v4.1: 132 of 1,533,928 alleles (0.0086%); highest among the groups gnomAD compares: Middle Eastern, 0.017%; no homozygotes.

Submission:

PreventionGenetics, part of Exact Sciences
Classification: Likely benign for RNF135-related condition. Last evaluated: 2019-09-13. Review status: no assertion criteria provided. Collection method: clinical testing. Allele origin: germline.
Comment: This variant is classified as likely benign based on ACMG/AMP sequence variant interpretation guidelines (Richards et al. 2015 PMID: 25741868, with internal and published modifications).

NM_032322.4(RNF135):c.69C>A (p.Ile23=)

Gene: RNF135 (ring finger protein 135; plus strand). Cytogenetic location: 17q11.2.
Variant type: single nucleotide variant.
Coding change: c.69C>A on transcript NM_032322.4 (MANE Select); coding-DNA position 69, C replaced by A.
Protein change: p.Ile23=; no amino-acid change (isoleucine 23 retained).
Molecular consequence: synonymous variant.
Genome position (GRCh38, 1-based): chr17:30,971,142, C>A. VCF-style: chr17-30971142-C-A. GRCh37 (hg19) VCF-style: chr17-29298160-C-A.
Other names: c.69C>A, p.Ile23= (NM_001184992.2, NM_197939.2).
Identifiers: ClinVar variation 3040412 (VCV003040412.2), dbSNP rs745775948, ClinGen allele CA8485125.
Genomic context (GRCh38, chr17:30,971,142, plus strand): 5'-CCTGGGCCTGGGCTCCGCCGTTCCCGTGTGGCTGGCCGAGGACGACCTCGGCTGCATCAT[C>A]TGCCAGGGGCTGCTGGACTGGCCCGCCACGCTGCCCTGCGGCCACAGCTTCTGCCGCCAC-3'
Protein context (NP_115698.3, residues 13-33): WLAEDDLGCI[Ile23=]CQGLLDWPAT